The following is an entry in ClinVar:

NC_000018.10:g.(?_31498242)_(31598685_?)dup

Genes: DSG2 (desmoglein 2; plus strand), TTR (transthyretin; plus strand). Cytogenetic location: 18q12.1.
Variant type: Duplication.
Identifiers: ClinVar variation 832570 (VCV000832570.3).

ClinVar aggregate classification (germline): Uncertain significance. Review status: criteria provided, single submitter (1 of 4 stars). 2 submissions from 1 submitter: Uncertain significance (2). Last evaluated 2020-10-06.

Conditions:
Arrhythmogenic right ventricular dysplasia 10. Also called: Arrhythmogenic Right Ventricular Dysplasia/Cardiomyopathy10; ARRHYTHMOGENIC RIGHT VENTRICULAR DYSPLASIA, FAMILIAL, 10; Arrhythmogenic right ventricular dysplasia/cardiomyopathy, type 10. Identifiers: MedGen C1857777, MONDO:0012434, OMIM 610193.
Amyloidosis, hereditary systemic 1 (AMYLD1). Also called: Familial amyloid polyneuropathy; Transthyretin Amyloidosis; AMYLOID CARDIOMYOPATHY; Isolated Cardiac Amyloidosis; Amyloid Cardiomyopathy, Transthyretin-related; Hereditary oculoleptomeningeal amyloid angiopathy. Identifiers: Orphanet 85447, Orphanet 85451, MedGen C2751492, MONDO:0971004, OMIM 105210.

Submissions (2):

Labcorp Genetics (formerly Invitae), Labcorp
Classification: Uncertain significance for Amyloidosis, hereditary systemic 1. Last evaluated: 2020-10-06. Review status: criteria provided, single submitter. Criteria: Invitae Variant Classification Sherloc (09022015). Collection method: clinical testing. Allele origin: germline.
Comment: This variant results in a copy number gain of the genomic region encompassing the full coding sequence of the TTR gene. The boundaries of this event are unknown as they extend beyond the assayed region for this gene and therefore may encompass additional genes. As the precise location of this event is unknown, it may be in tandem or it may be located elsewhere in the genome. In summary, the available evidence is currently insufficient to determine the role of this variant in disease. Therefore, it has been classified as a Variant of Uncertain Significance.

Labcorp Genetics (formerly Invitae), Labcorp
Classification: Uncertain significance for Arrhythmogenic right ventricular cardiomyopathy, type 10. Last evaluated: 2019-06-20. Review status: criteria provided, single submitter. Criteria: Invitae Variant Classification Sherloc (09022015). Collection method: clinical testing. Allele origin: germline.
Comment: This variant results in a copy number gain of the genomic region encompassing the full coding sequence of the DSG2 gene. The boundaries of this event are unknown as they extend beyond the assayed region for this gene and therefore may encompass additional genes. As the precise location of this event is unknown, it may be in tandem or it may be located elsewhere in the genome. This variant has not been reported in the literature in individuals with DSG2-related conditions. In summary, the available evidence is currently insufficient to determine the role of this variant in disease. Therefore, it has been classified as a Variant of Uncertain Significance.